The following is an entry in ClinVar:

NC_000003.12:g.169765042G>A

Genes: TERC (telomerase RNA component; minus strand), LOC110806306 (telomerase RNA component (TERC) promoter; plus strand). Cytogenetic location: 3q26.2.
Variant type: single nucleotide variant.
Genome position: GRCh38 VCF-style: chr3-169765042-G-A. GRCh37 (hg19) VCF-style: chr3-169482830-G-A.
Identifiers: ClinVar variation 2157288 (VCV002157288.4), dbSNP rs2108183439, ClinGen allele CA436716032.

ClinVar aggregate classification (germline): Uncertain significance (1 of 4 stars; one submission).

Conditions:
Dyskeratosis congenita, autosomal dominant 1 (DKCA1). Also called: Dyskeratosis congenita Scoggins type. Identifiers: Orphanet 1775, MedGen C4551974, MONDO:0007485, OMIM 127550. Inheritance: Variable.

Submission:

Labcorp Genetics (formerly Invitae), Labcorp
Classification: Uncertain significance for Dyskeratosis congenita, autosomal dominant 1. Last evaluated: 2022-08-12. Review status: criteria provided, single submitter. Criteria: Invitae Variant Classification Sherloc (09022015). Collection method: clinical testing. Allele origin: germline.
Comment: This variant occurs in the TERC gene, which encodes an RNA molecule that does not result in a protein product. This variant is not present in population databases (gnomAD no frequency). This variant has not been reported in the literature in individuals affected with TERC-related conditions. In summary, the available evidence is currently insufficient to determine the role of this variant in disease. Therefore, it has been classified as a Variant of Uncertain Significance. This variant is located at the 5’ end of the TERC RNA component (PMID: 15082312, 21844345). The functional significance of this region is not well understood.

Literature cited by the submitters: PubMed 15082312; PubMed 21844345.